The following is an entry in ClinVar:

ClinVar aggregate classification (germline): Conflicting classifications of pathogenicity. Review status: criteria provided, conflicting classifications (1 of 4 stars). 3 submissions from 3 submitters: Uncertain significance (1); Likely benign (1). 1 of the submissions does not count toward it. Last evaluated 2026-05-02.

Conditions:
Duchenne muscular dystrophy (DMD). Also called: MUSCULAR DYSTROPHY, PSEUDOHYPERTROPHIC PROGRESSIVE, DUCHENNE TYPE; Duchenne Muscular Dystrophy (DMD). Identifiers: Orphanet 98896, MedGen C0013264, MONDO:0010679, OMIM 310200.
Dystrophin deficiency.
Becker muscular dystrophy (BMD). Also called: MUSCULAR DYSTROPHY, PSEUDOHYPERTROPHIC PROGRESSIVE, BECKER TYPE; Becker Muscular Dystrophy (BMD). Identifiers: Orphanet 98895, MedGen C0917713, MONDO:0010311, OMIM 300376.
Cardiomyopathy (CMYO). Also called: Cardiomyopathies. Identifiers: Orphanet 167848, MedGen C0878544, MONDO:0004994, HP:0001638. Inheritance: Various modes of inheritance.

Allele frequency attached by ClinVar (database versions not stated): gnomAD exomes below 0.00001 and 0.00001; TOPMed below 0.00001.
gnomAD v4.1: 1 of 1,209,237 alleles (0.000083%); highest among the groups gnomAD compares: South Asian, 0.0018%; no homozygotes.

Submissions (3):

Centre for Medical Genetics,  Mumbai
Classification: Likely benign for Duchenne muscular dystrophy. Last evaluated: 2026-05-02. Review status: criteria provided, single submitter. Criteria: ACMG Guidelines, 2015. Collection method: provider interpretation. Allele origin: germline. Inheritance: X-linked recessive inheritance. Affected: no. Observed: 1 variant allele, 1 hemizygote.
Comment: The variant satisfies PM2 criteria - extremely low frequency in gnomAD population databases. The variant satisfies BP4 criteria - for a missense or a splice region variant, computational prediction tools unanimously support a benign effect on the gene. However, the variant satisfies BS2 criteria - present in hemizygous state in an individual that clinically does not have Duchenne muscular dystrophy.

Labcorp Genetics (formerly Invitae), Labcorp
Classification: Uncertain significance for Duchenne muscular dystrophy. Last evaluated: 2025-09-10. Review status: criteria provided, single submitter. Criteria: Invitae Variant Classification Sherloc (09022015). Collection method: clinical testing. Allele origin: germline.
Comment: This sequence change replaces proline, which is neutral and non-polar, with leucine, which is neutral and non-polar, at codon 1990 of the DMD protein (p.Pro1990Leu). This variant is present in population databases (no rsID available, gnomAD 0.005%). This variant has not been reported in the literature in individuals affected with DMD-related conditions. ClinVar contains an entry for this variant (Variation ID: 1016566). Invitae Evidence Modeling of protein sequence and biophysical properties (such as structural, functional, and spatial information, amino acid conservation, physicochemical variation, residue mobility, and thermodynamic stability) indicates that this missense variant is not expected to disrupt DMD protein function with a negative predictive value of 95%. In summary, the available evidence is currently insufficient to determine the role of this variant in disease. Therefore, it has been classified as a Variant of Uncertain Significance.

Natera, Inc.
Classification: Uncertain significance for Becker muscular dystrophy; Cardiomyopathy; Duchenne muscular dystrophy; Dystrophin deficiency. Last evaluated: 2020-02-03. Review status: no assertion criteria provided. Collection method: clinical testing. Allele origin: germline. Not counted in ClinVar's aggregate classification.

Literature cited by the submitters: PubMed 19367636 (cited by Centre for Medical Genetics,  Mumbai).

NM_004006.3(DMD):c.5969C>T (p.Pro1990Leu)

Gene: DMD (dystrophin; minus strand). Cytogenetic location: Xp21.1.
Variant type: single nucleotide variant.
Coding change: c.5969C>T on transcript NM_004006.3 (MANE Select); coding-DNA position 5969, C replaced by T.
Protein change: p.Pro1990Leu; replaces proline 1990 with leucine.
Molecular consequence: missense variant.
Genome position (GRCh38, 1-based): chrX:32,310,230, G>A on the plus strand (C>T on the coding strand, the complement: DMD is on the minus strand). VCF-style: chrX-32310230-G-A. GRCh37 (hg19) VCF-style: chrX-32328347-G-A.
Other names: c.5945C>T, p.Pro1982Leu (NM_000109.4); c.5957C>T, p.Pro1986Leu (NM_004009.3); c.5600C>T, p.Pro1867Leu (NM_004010.3); c.1946C>T, p.Pro649Leu (NM_004011.4); c.1937C>T, p.Pro646Leu (NM_004012.4); short protein forms P1867L, P1982L, P1986L, P1990L, P646L, P649L.
Identifiers: ClinVar variation 1016566 (VCV001016566.7), dbSNP rs961227665, ClinGen allele CA328532036.